The following is an entry in ClinVar:

NM_000186.4(CFH):c.1777T>C (p.Leu593=)

Gene: CFH (complement factor H; plus strand). Cytogenetic location: 1q31.3.
Variant type: single nucleotide variant.
Coding change: c.1777T>C on transcript NM_000186.4 (MANE Select); coding-DNA position 1777, T replaced by C.
Protein change: p.Leu593=; no amino-acid change (leucine 593 retained).
Molecular consequence: synonymous variant.
Genome position (GRCh38, 1-based): chr1:196,725,201, T>C. VCF-style: chr1-196725201-T-C. GRCh37 (hg19) VCF-style: chr1-196694331-T-C.
Other names: p.Leu593=.
Identifiers: ClinVar variation 4683912 (VCV004683912.1).
Genomic context (GRCh38, chr1:196,725,201, plus strand): 5'-AAAATAGATGTACACTTAGTTCCTGATCGCAAGAAAGACCAGTATAAAGTTGGAGAGGTG[T>C]TGAAATTCTCCTGCAAACCAGGATTTACAATAGTTGGACCTAATTCCGTTCAGTGCTACC-3'
Protein context (NP_000177.2, residues 583-603): KKDQYKVGEV[Leu593=]KFSCKPGFTI

ClinVar aggregate classification (germline): Likely benign (1 of 4 stars; one submission).

gnomAD v4.1: 1 of 1,613,818 alleles (0.000062%); highest among the groups gnomAD compares: Admixed American, 0.0017%; no homozygotes.

Submission:

Mayo Clinic Laboratories, Mayo Clinic
Classification: Likely benign. Last evaluated: 2025-02-17. Review status: criteria provided, single submitter. Criteria: ACMG Guidelines, 2015. Collection method: clinical testing. Allele origin: germline. Observed: 1 variant allele.
Comment: BP4, BP7